The following is an entry in ClinVar:

ClinVar aggregate classification (germline): Uncertain significance (1 of 4 stars; one submission).

Conditions:
Epidermolysis bullosa simplex 3, localized or generalized intermediate, with BP230 deficiency (EBS3). Also called: Epidermolysis bullosa simplex, autosomal recessive 2; Epidermolysis bullosa simplex due to BP230 deficiency. Identifiers: Orphanet 412181, MedGen C3809470, MONDO:0014180, OMIM 615425.
Hereditary sensory and autonomic neuropathy type 6. Also called: HSAN VI; Neuropathy, hereditary sensory and autonomic, type VI. Identifiers: Orphanet 314381, MedGen C3539003, MONDO:0013839, OMIM 614653.

gnomAD v4.1: 3 of 1,614,152 alleles (0.00019%); highest among the groups gnomAD compares: Non-Finnish European, 0.00025%; no homozygotes.

Submission:

Labcorp Genetics (formerly Invitae), Labcorp
Classification: Uncertain significance for Epidermolysis bullosa simplex 3, localized or generalized intermediate, with BP230 deficiency; Hereditary sensory and autonomic neuropathy type 6. Last evaluated: 2025-02-04. Review status: criteria provided, single submitter. Criteria: Invitae Variant Classification Sherloc (09022015). Collection method: clinical testing. Allele origin: germline.
Comment: This sequence change replaces tyrosine, which is neutral and polar, with cysteine, which is neutral and slightly polar, at codon 2599 of the DST protein (p.Tyr2599Cys). This variant is present in population databases (rs140921524, gnomAD 0.0009%). This variant has not been reported in the literature in individuals affected with DST-related conditions. An algorithm developed to predict the effect of missense changes on protein structure and function (PolyPhen-2) suggests that this variant is likely to be disruptive. In summary, the available evidence is currently insufficient to determine the role of this variant in disease. Therefore, it has been classified as a Variant of Uncertain Significance.

NM_001723.7(DST):c.7796A>G (p.Tyr2599Cys)

Gene: DST (dystonin; minus strand). Cytogenetic location: 6p12.1.
Variant type: single nucleotide variant.
Coding change: c.7796A>G on transcript NM_001723.7 (MANE Plus Clinical); coding-DNA position 7796, A replaced by G.
Protein change: p.Tyr2599Cys; replaces tyrosine 2599 with cysteine.
Molecular consequence: missense variant. On other transcripts: intron variant (10).
Genome position (GRCh38, 1-based): chr6:56,615,671, T>C on the plus strand (A>G on the coding strand, the complement: DST is on the minus strand). VCF-style: chr6-56615671-T-C. GRCh37 (hg19) VCF-style: chr6-56480469-T-C.
Other names: c.4831-1187A>G (NM_001144769.5); c.4930-1187A>G (NM_001374722.1, NM_001374736.1); c.4957-1187A>G (NM_001374734.1); c.4417-1187A>G (NM_001144770.2); c.4297-1187A>G (NM_001374730.1, NM_001386100.1, NM_183380.4 and 1 more transcripts); c.3319-1187A>G (NM_015548.5); short protein forms Y2599C.
Identifiers: ClinVar variation 4788521 (VCV004788521.1).